The following is an entry in ClinVar:

ClinVar aggregate classification (germline): Pathogenic. Review status: reviewed by expert panel (3 of 4 stars). 6 submissions from 6 submitters: Pathogenic (1). 5 of the submissions do not count toward it. Last evaluated 2016-09-08.

Conditions:
Breast-ovarian cancer, familial, susceptibility to, 1 (BROVCA1). Also called: BRCA1 Hereditary Breast and Ovarian Cancer; OVARIAN CANCER, SUSCEPTIBILITY TO. Identifiers: Orphanet 145, MedGen C2676676, MONDO:0011450, OMIM 604370. Disease mechanism: loss of function.
Hereditary cancer-predisposing syndrome. Also called: Hereditary Cancer Syndrome; Neoplastic Syndromes, Hereditary; Hereditary neoplastic syndrome; Tumor predisposition. Identifiers: Orphanet 140162, MedGen C0027672, MeSH D009386, MONDO:0015356.
Hereditary breast ovarian cancer syndrome. Also called: Hereditary breast and/or ovarian cancer syndrome; Hereditary breast and ovarian cancer syndrome; Hereditary breast and ovarian cancer; Hereditary breast and ovarian cancer syndrome (HBOC); Breast and ovarian cancer; BRCA1- and BRCA2-Associated Hereditary Breast and Ovarian Cancer. Identifiers: Orphanet 145, MedGen C0677776, MeSH D061325, MONDO:0003582. Disease mechanism: loss of function.

Submissions (6):

Evidence-based Network for the Interpretation of Germline Mutant Alleles (ENIGMA)
Classification: Pathogenic for Breast-ovarian cancer, familial, susceptibility to, 1. Last evaluated: 2016-09-08. Review status: reviewed by expert panel. Criteria: ENIGMA BRCA1/2 Classification Criteria (2015). Collection method: curation. Allele origin: germline.
Comment: Variant allele predicted to encode a truncated non-functional protein.

Labcorp Genetics (formerly Invitae), Labcorp
Classification: Pathogenic for Hereditary breast ovarian cancer syndrome. Last evaluated: 2023-09-22. Review status: criteria provided, single submitter. Criteria: Invitae Variant Classification Sherloc (09022015). Collection method: clinical testing. Allele origin: germline. Not counted in ClinVar's aggregate classification.
Comment: This sequence change creates a premature translational stop signal (p.Met1827Argfs*8) in the BRCA1 gene. While this is not anticipated to result in nonsense mediated decay, it is expected to disrupt the last 37 amino acid(s) of the BRCA1 protein. This variant is not present in population databases (gnomAD no frequency). This variant has not been reported in the literature in individuals affected with BRCA1-related conditions. ClinVar contains an entry for this variant (Variation ID: 96952). This variant disrupts the C-terminal end of the BRCA1 protein partially including the BRCT domain (residues 1646-1859), which is important for DNA repair activity (PMID: 11573086, 14576433, 15133503, 25652403). While functional studies have not been performed to directly test the effect on BRCA1 protein function, this suggests that disruption of the C-terminal portion of the protein is functionally important. A different truncation (p.Tyr1853*) that lies downstream of this variant has been determined to be pathogenic (PMID: 21922593, 10811118, 11739404, 12400015, 7894493, Invitae). This suggests that variants that disrupt this region of the protein are likely to be causative of disease. For these reasons, this variant has been classified as Pathogenic.

Ambry Genetics
Classification: Pathogenic for Hereditary cancer-predisposing syndrome. Last evaluated: 2022-06-29. Review status: criteria provided, single submitter. Criteria: Ambry Variant Classification Scheme 2023. Collection method: clinical testing. Allele origin: germline. Not counted in ClinVar's aggregate classification.
Comment: The c.5478_5479dupGA pathogenic mutation, located in coding exon 22 of the BRCA1 gene, results from a duplication of GA at nucleotide position 5478, causing a translational frameshift with a predicted alternate stop codon (p.M1827Rfs*8). This alteration has been reported in hereditary breast and/or ovarian cancer cohorts (Judkins T et al. Mutat Res, 2005 Jun;573:168-79; Cheng DT et al. BMC Med Genomics, 2017 05;10:33; Rebbeck TR et al. Hum Mutat, 2018 05;39:593-620). This variant is considered to be rare based on population cohorts in the Genome Aggregation Database (gnomAD). In addition to the clinical data presented in the literature, this alteration is expected to result in loss of function by premature protein truncation or nonsense-mediated mRNA decay. As such, this alteration is interpreted as a disease-causing mutation.

Consortium of Investigators of Modifiers of BRCA1/2 (CIMBA), c/o University of Cambridge
Classification: Pathogenic for Breast-ovarian cancer, familial, susceptibility to, 1. Last evaluated: 2015-10-02. Review status: criteria provided, single submitter. Criteria: CIMBA Mutation Classification guidelines May 2016. Collection method: clinical testing. Allele origin: germline. Not counted in ClinVar's aggregate classification.

Sharing Clinical Reports Project (SCRP)
Classification: Pathogenic for Breast-ovarian cancer, familial 1. Last evaluated: 2007-09-12. Review status: no assertion criteria provided. Collection method: clinical testing. Allele origin: germline. Not counted in ClinVar's aggregate classification.

Breast Cancer Information Core (BIC) (BRCA1)
Classification: Pathogenic for Breast-ovarian cancer, familial 1. Last evaluated: 2004-02-20. Review status: no assertion criteria provided. Collection method: clinical testing. Allele origin: germline. Affected: yes. Observed: 4 variant alleles. Not counted in ClinVar's aggregate classification.

Literature cited by the submitters: PubMed 11573086 (cited by Labcorp Genetics (formerly Invitae), Labcorp); PubMed 14576433 (cited by Labcorp Genetics (formerly Invitae), Labcorp); PubMed 15133503 (cited by Labcorp Genetics (formerly Invitae), Labcorp); PubMed 25652403 (cited by Labcorp Genetics (formerly Invitae), Labcorp); PubMed 21922593 (cited by Labcorp Genetics (formerly Invitae), Labcorp); PubMed 10811118 (cited by Labcorp Genetics (formerly Invitae), Labcorp); PubMed 11739404 (cited by Labcorp Genetics (formerly Invitae), Labcorp); PubMed 12400015 (cited by Labcorp Genetics (formerly Invitae), Labcorp); PubMed 7894493 (cited by Labcorp Genetics (formerly Invitae), Labcorp); PubMed 15829246 (cited by Ambry Genetics); PubMed 28526081 (cited by Ambry Genetics); PubMed 29446198 (cited by Ambry Genetics).

NM_007294.4(BRCA1):c.5478_5479dup (p.Met1827fs)

Gene: BRCA1 (BRCA1 DNA repair associated; minus strand). Cytogenetic location: 17q21.31.
Variant type: Duplication.
Coding change: c.5478_5479dup on transcript NM_007294.4 (MANE Select); coding-DNA positions 5478 to 5479, 2 bases duplicated (GA; older notation c.5478_5479dupGA).
Protein change: p.Met1827fs; shifts the reading frame from methionine 1827.
Molecular consequence: frameshift variant. On other transcripts: non-coding transcript variant (1).
Genome position (GRCh38, 1-based): chr17:43,045,791-43,045,792, TC duplicated on the plus strand (GA on the coding strand, the reverse complement: BRCA1 is on the minus strand); duplicating any 2 consecutive bases within chr17:43,045,791-43,045,793 gives the same sequence; the c. name uses the placement nearest the transcript's 3' end. VCF-style (leftmost placement, unchanged base first): chr17-43045790-A-ATC. GRCh37 (hg19) VCF-style: chr17-41197807-A-ATC.
Other names: 5598insGA; c.5478_5479dupGA (NM_007294.3); c.5213_5214dup, p.Met1739Argfs (NM_001407921.1, NM_001407922.1, NM_001407923.1 and 4 more transcripts); c.5210_5211dup, p.Met1738Argfs (NM_001407927.1, NM_001407928.1, NM_001407929.1 and 4 more transcripts); c.5207_5208dup, p.Met1737Argfs (NM_001407934.1, NM_001407935.1, NM_001407936.1); c.5280_5281dup, p.Asp1761Glufs (NM_001407937.1, NM_001407938.1); c.5277_5278dup, p.Asp1760Glufs (NM_001407939.1, NM_001407940.1); c.5274_5275dup, p.Asp1759Glufs (NM_001407941.1); and 88 more; short protein forms M1848fs, M723fs, M1780fs, M1827fs, D698fs.
Identifiers: ClinVar variation 96952 (VCV000096952.9), dbSNP rs80357757, ClinGen allele CA003642.